The following is an entry in ClinVar:

ClinVar aggregate classification (germline): Benign. Review status: criteria provided, multiple submitters, no conflicts (2 of 4 stars). 2 submissions from 2 submitters: Benign (2). Last evaluated 2018-06-19.

Allele frequency attached by ClinVar (database versions not stated): 1000 Genomes Project 0.03415; 1000 Genomes Project 30x 0.03513; gnomAD 0.05024 and 0.05114; TOPMed 0.05197; gnomAD exomes 0.07108.
gnomAD v4.1: 107,236 of 1,556,716 alleles (6.9%); highest among the groups gnomAD compares: Non-Finnish European, 7.8%; 4,065 homozygotes.

Submissions (2):

GeneDx
Classification: Benign. Last evaluated: 2018-06-19. Review status: criteria provided, single submitter. Criteria: GeneDx Variant Classification (06012015). Collection method: clinical testing. Allele origin: germline. Affected: yes.
Comment: This variant is considered likely benign or benign based on one or more of the following criteria: it is a conservative change, it occurs at a poorly conserved position in the protein, it is predicted to be benign by multiple in silico algorithms, and/or has population frequency not consistent with disease.

Breakthrough Genomics
Classification: Benign. Review status: criteria provided, single submitter. Criteria: ACMG Guidelines, 2015. Collection method: not provided. Allele origin: germline. Inheritance: Autosomal recessive inheritance. Affected: yes.

NM_001377.3(DYNC2H1):c.11256+53T>G

Gene: DYNC2H1 (dynein cytoplasmic 2 heavy chain 1; plus strand). Cytogenetic location: 11q22.3.
Variant type: single nucleotide variant.
Coding change: c.11256+53T>G on transcript NM_001377.3 (MANE Select); 53 bases into the intron after coding-DNA position 11256, T replaced by G.
Molecular consequence: intron variant.
Genome position (GRCh38, 1-based): chr11:103,303,306, T>G. VCF-style: chr11-103303306-T-G. GRCh37 (hg19) VCF-style: chr11-103174035-T-G.
Other names: c.11277+53T>G (NM_001080463.2).
Identifiers: ClinVar variation 675056 (VCV000675056.2), dbSNP rs12362743, ClinGen allele CA13523561.